The following is an entry in ClinVar:

ClinVar aggregate classification (germline): Uncertain significance (1 of 4 stars; one submission).

Submission:

CeGaT Center for Human Genetics Tuebingen
Classification: Uncertain significance. Last evaluated: 2024-07-01. Review status: criteria provided, single submitter. Criteria: CeGaT Center For Human Genetics Tuebingen Variant Classification Criteria Version 2. Collection method: clinical testing. Allele origin: germline. Affected: yes. Observed: 1 variant allele.
Comment: ATP6V1A: PM2:Supporting, BP4

NM_001690.4(ATP6V1A):c.1329G>A (p.Lys443=)

Gene: ATP6V1A (ATPase H+ transporting V1 subunit A; plus strand). Cytogenetic location: 3q13.31.
Variant type: single nucleotide variant.
Coding change: c.1329G>A on transcript NM_001690.4 (MANE Select); coding-DNA position 1329, G replaced by A.
Protein change: p.Lys443=; no amino-acid change (lysine 443 retained).
Molecular consequence: synonymous variant.
Genome position (GRCh38, 1-based): chr3:113,798,281, G>A. VCF-style: chr3-113798281-G-A. GRCh37 (hg19) VCF-style: chr3-113517128-G-A.
Identifiers: ClinVar variation 3341986 (VCV003341986.16).
Genomic context (GRCh38, chr3:113,798,281, plus strand): 5'-TGTGTGTGTTTTTTTTAATCAGGTGTTCTGGGGCTTAGATAAGAAACTAGCTCAACGTAA[G>A]CATTTCCCCTCTGTCAATTGGCTCATCAGCTACAGCAAGTATATGCGTGCCTTGGATGAA-3'
Protein context (NP_001681.2, residues 433-453): WGLDKKLAQR[Lys443=]HFPSVNWLIS